The following is an entry in ClinVar:

NM_004415.4(DSP):c.2084A>G (p.Asp695Gly)

Gene: DSP (desmoplakin; plus strand). Cytogenetic location: 6p24.3.
Variant type: single nucleotide variant.
Coding change: c.2084A>G on transcript NM_004415.4 (MANE Select); coding-DNA position 2084, A replaced by G.
Protein change: p.Asp695Gly; replaces aspartic acid 695 with glycine.
Molecular consequence: missense variant.
Genome position (GRCh38, 1-based): chr6:7,572,022, A>G. VCF-style: chr6-7572022-A-G. GRCh37 (hg19) VCF-style: chr6-7572255-A-G.
Other names: c.2084A>G, p.Asp695Gly (NM_001008844.3, NM_001319034.2); short protein forms D695G.
Identifiers: ClinVar variation 1380273 (VCV001380273.8), dbSNP rs2113680188, ClinGen allele CA362680514.

ClinVar aggregate classification (germline): Uncertain significance (1 of 4 stars; one submission).

Conditions:
Arrhythmogenic cardiomyopathy with wooly hair and keratoderma. Also called: Dilated cardiomyopathy with woolly hair and keratoderma; Arrhythmogenic cardiomyopathy with woolly hair and keratoderma; PALMOPLANTAR KERATODERMA WITH LEFT VENTRICULAR CARDIOMYOPATHY AND WOOLLY HAIR; Carvajal syndrome. Identifiers: Orphanet 65282, MedGen C1854063, MONDO:0011581, OMIM 605676.
Arrhythmogenic right ventricular dysplasia 8 (ARVD8). Also called: ARRHYTHMOGENIC RIGHT VENTRICULAR DYSPLASIA, FAMILIAL, 8; Arrhythmogenic Right Ventricular Dysplasia/Cardiomyopathy 8; ARRHYTHMOGENIC RIGHT VENTRICULAR CARDIOMYOPATHY 8. Identifiers: MedGen C1843896, MONDO:0011831, OMIM 607450.

Submission:

Labcorp Genetics (formerly Invitae), Labcorp
Classification: Uncertain significance for Arrhythmogenic cardiomyopathy with wooly hair and keratoderma; Arrhythmogenic right ventricular dysplasia 8. Last evaluated: 2021-03-22. Review status: criteria provided, single submitter. Criteria: Invitae Variant Classification Sherloc (09022015). Collection method: clinical testing. Allele origin: germline.
Comment: Algorithms developed to predict the effect of missense changes on protein structure and function are either unavailable or do not agree on the potential impact of this missense change (SIFT: "Tolerated"; PolyPhen-2: "Probably Damaging"; Align-GVGD: "Class C0"). This variant has not been reported in the literature in individuals with DSP-related conditions. This variant is not present in population databases (ExAC no frequency). This sequence change replaces aspartic acid with glycine at codon 695 of the DSP protein (p.Asp695Gly). The aspartic acid residue is moderately conserved and there is a moderate physicochemical difference between aspartic acid and glycine. In summary, the available evidence is currently insufficient to determine the role of this variant in disease. Therefore, it has been classified as a Variant of Uncertain Significance.